The following is an entry in ClinVar:

NM_000051.4(ATM):c.5978G>T (p.Ser1993Ile)

Genes: ATM (ATM serine/threonine kinase; plus strand), C11orf65 (chromosome 11 open reading frame 65; minus strand). Cytogenetic location: 11q22.3.
Variant type: single nucleotide variant.
Coding change: c.5978G>T on transcript NM_000051.4 (MANE Select); coding-DNA position 5978, G replaced by T.
Protein change: p.Ser1993Ile; replaces serine 1993 with isoleucine.
Molecular consequence: missense variant. On other transcripts: intron variant (2).
Genome position (GRCh38, 1-based): chr11:108,312,470, G>T. VCF-style: chr11-108312470-G-T. GRCh37 (hg19) VCF-style: chr11-108183197-G-T.
Other names: c.5978G>T, p.Ser1993Ile (NM_001351834.2); c.641-3399C>A (NM_001330368.2); c.*39-3399C>A (NM_001351110.2); short protein forms S1993I.
Identifiers: ClinVar variation 963382 (VCV000963382.12), dbSNP rs1406659883, ClinGen allele CA382548751.
Genomic context (GRCh38, chr11:108,312,470, plus strand): 5'-GAAGTCTTGCATTTGAAGAAGGAAGCCAGAGTACAACTATTTCTAGCTTGAGTGAAAAAA[G>T]TAAAGAAGAAACTGGAATAAGTTTACAGGTAAATATTAGAGGCTCTATTATTTATGACAG-3'
Protein context (NP_000042.3, residues 1983-2003): STTISSLSEK[Ser1993Ile]KEETGISLQD

ClinVar aggregate classification (germline): Uncertain significance. Review status: criteria provided, multiple submitters, no conflicts (2 of 4 stars). 3 submissions from 3 submitters: Uncertain significance (2). 1 of the submissions does not count toward it. Last evaluated 2023-03-04.

Conditions:
Hereditary cancer-predisposing syndrome. Also called: Tumor predisposition; Neoplastic Syndromes, Hereditary; Hereditary neoplastic syndrome; Hereditary Cancer Syndrome. Identifiers: Orphanet 140162, MedGen C0027672, MeSH D009386, MONDO:0015356.
Ataxia-telangiectasia syndrome (AT). Also called: Ataxia-telangiectasia, complementation group D; AT, COMPLEMENTATION GROUP C; ATAXIA-TELANGIECTASIA, COMPLEMENTATION GROUP A; ATAXIA-TELANGIECTASIA, FRESNO VARIANT; Ataxia-telangiectasia; Ataxia telangiectasia (A-T). Identifiers: Orphanet 100, MedGen C0004135, MONDO:0008840, OMIM 208900.

Submissions (3):

Labcorp Genetics (formerly Invitae), Labcorp
Classification: Uncertain significance for Ataxia-telangiectasia syndrome. Last evaluated: 2023-03-04. Review status: criteria provided, single submitter. Criteria: Invitae Variant Classification Sherloc (09022015). Collection method: clinical testing. Allele origin: germline.
Comment: In summary, the available evidence is currently insufficient to determine the role of this variant in disease. Therefore, it has been classified as a Variant of Uncertain Significance. An algorithm developed to predict the effect of missense changes on protein structure and function (PolyPhen-2) suggests that this variant is likely to be disruptive. ClinVar contains an entry for this variant (Variation ID: 963382). This variant has not been reported in the literature in individuals affected with ATM-related conditions. This variant is not present in population databases (gnomAD no frequency). This sequence change replaces serine, which is neutral and polar, with isoleucine, which is neutral and non-polar, at codon 1993 of the ATM protein (p.Ser1993Ile).

Ambry Genetics
Classification: Uncertain significance for Hereditary cancer-predisposing syndrome. Last evaluated: 2021-12-10. Review status: criteria provided, single submitter. Criteria: Ambry Variant Classification Scheme 2023. Collection method: clinical testing. Allele origin: germline.
Comment: The p.S1993I variant (also known as c.5978G>T), located in coding exon 39 of the ATM gene, results from a G to T substitution at nucleotide position 5978. The serine at codon 1993 is replaced by isoleucine, an amino acid with dissimilar properties. This amino acid position is conserved. In addition, the in silico prediction for this alteration is inconclusive. Since supporting evidence is limited at this time, the clinical significance of this alteration remains unclear.

Natera, Inc.
Classification: Uncertain significance for Ataxia-telangiectasia. Last evaluated: 2025-04-10. Review status: no assertion criteria provided. Collection method: clinical testing. Allele origin: germline. Not counted in ClinVar's aggregate classification.